The following is an entry in ClinVar:

NM_030973.4(MED25):c.809C>T (p.Pro270Leu)

Gene: MED25 (mediator complex subunit 25; plus strand). Cytogenetic location: 19q13.33.
Variant type: single nucleotide variant.
Coding change: c.809C>T on transcript NM_030973.4 (MANE Select); coding-DNA position 809, C replaced by T.
Protein change: p.Pro270Leu; replaces proline 270 with leucine.
Molecular consequence: missense variant.
Genome position (GRCh38, 1-based): chr19:49,830,208, C>T. VCF-style: chr19-49830208-C-T. GRCh37 (hg19) VCF-style: chr19-50333465-C-T.
Other names: c.809C>T, p.Pro270Leu (NM_001378355.1); c.809C>T (NM_030973.3); short protein forms P270L.
Identifiers: ClinVar variation 1011189 (VCV001011189.7), dbSNP rs756463606, ClinGen allele CA9585017.

ClinVar aggregate classification (germline): Uncertain significance. Review status: criteria provided, multiple submitters, no conflicts (2 of 4 stars). 2 submissions from 2 submitters: Uncertain significance (2). Last evaluated 2025-09-26.

Conditions:
Inborn genetic diseases. Identifiers: MedGen C0950123, MeSH D030342.
Charcot-Marie-Tooth disease type 2. Also called: Charcot-Marie-Tooth type 2. Identifiers: Orphanet 64746, MedGen C0270914, MONDO:0018993.

Allele frequency attached by ClinVar (database versions not stated): ExAC 0.00001; TOPMed 0.00002; gnomAD exomes below 0.00001.

Submissions (2):

Ambry Genetics
Classification: Uncertain significance for Inborn genetic diseases. Last evaluated: 2025-09-26. Review status: criteria provided, single submitter. Criteria: Ambry Variant Classification Scheme 2023. Collection method: clinical testing. Allele origin: germline.

Labcorp Genetics (formerly Invitae), Labcorp
Classification: Uncertain significance for Charcot-Marie-Tooth disease type 2. Last evaluated: 2021-09-01. Review status: criteria provided, single submitter. Criteria: Invitae Variant Classification Sherloc (09022015). Collection method: clinical testing. Allele origin: germline.
Comment: This sequence change replaces proline with leucine at codon 270 of the MED25 protein (p.Pro270Leu). The proline residue is weakly conserved and there is a moderate physicochemical difference between proline and leucine. This variant is present in population databases (rs756463606, ExAC 0.01%). This variant has not been reported in the literature in individuals affected with MED25-related conditions. Algorithms developed to predict the effect of missense changes on protein structure and function (SIFT, PolyPhen-2, Align-GVGD) all suggest that this variant is likely to be tolerated. In summary, the available evidence is currently insufficient to determine the role of this variant in disease. Therefore, it has been classified as a Variant of Uncertain Significance.